The following is an entry in ClinVar:

NM_032242.4(PLXNA1):c.4924_4935del (p.Met1642_Pro1645del)

Gene: PLXNA1 (plexin A1; plus strand). Cytogenetic location: 3q21.3.
Variant type: Deletion.
Coding change: c.4924_4935del on transcript NM_032242.4 (MANE Select); coding-DNA positions 4924 to 4935, 12 bases deleted (ATGATCACGCCC).
Protein change: p.Met1642_Pro1645del.
Molecular consequence: inframe deletion.
Genome position (GRCh38, 1-based): chr3:127,029,927-127,029,938, ATGATCACGCCC deleted; deleting any 12 consecutive bases within chr3:127,029,920-127,029,938 gives the same sequence; the c. name uses the placement nearest the transcript's 3' end. VCF-style (leftmost placement, unchanged base first): chr3-127029919-GCACGCCCATGAT-G. GRCh37 (hg19) VCF-style: chr3-126748762-GCACGCCCATGAT-G.
Identifiers: ClinVar variation 2108225 (VCV002108225.4), dbSNP rs2079199403, ClinGen allele CA2580068674.

ClinVar aggregate classification (germline): Uncertain significance (1 of 4 stars; one submission).

Submission:

Labcorp Genetics (formerly Invitae), Labcorp
Classification: Uncertain significance. Last evaluated: 2022-04-14. Review status: criteria provided, single submitter. Criteria: Invitae Variant Classification Sherloc (09022015). Collection method: clinical testing. Allele origin: germline.
Comment: In summary, the available evidence is currently insufficient to determine the role of this variant in disease. Therefore, it has been classified as a Variant of Uncertain Significance. Experimental studies and prediction algorithms are not available or were not evaluated, and the functional significance of this variant is currently unknown. This variant has not been reported in the literature in individuals affected with PLXNA1-related conditions. This variant is not present in population databases (gnomAD no frequency). This variant, c.4924_4935del, results in the deletion of 4 amino acid(s) of the PLXNA1 protein (p.Met1642_Pro1645del), but otherwise preserves the integrity of the reading frame.